The following is an entry in ClinVar:

NM_000334.4(SCN4A):c.2426G>T (p.Ser809Ile)

Genes: GH-LCR (growth hormone locus control region; plus strand), SCN4A (sodium voltage-gated channel alpha subunit 4; minus strand). Cytogenetic location: 17q23.3.
Variant type: single nucleotide variant.
Coding change: c.2426G>T on transcript NM_000334.4 (MANE Select); coding-DNA position 2426, G replaced by T.
Protein change: p.Ser809Ile; replaces serine 809 with isoleucine.
Molecular consequence: missense variant.
Genome position (GRCh38, 1-based): chr17:63,951,851, C>A on the plus strand (G>T on the coding strand, the complement: SCN4A is on the minus strand). VCF-style: chr17-63951851-C-A. GRCh37 (hg19) VCF-style: chr17-62029211-C-A.
Other names: short protein forms S809I.
Identifiers: ClinVar variation 1379248 (VCV001379248.6), dbSNP rs1463760993, ClinGen allele CA400627178.

ClinVar aggregate classification (germline): Uncertain significance (1 of 4 stars; one submission).

Conditions:
Hyperkalemic periodic paralysis. Also called: Familial hyperkalemic periodic paralysis; Gamstorp disease. Identifiers: Orphanet 682, MedGen C0238357, MONDO:0008224, OMIM 170500, HP:0007215.

Submission:

Labcorp Genetics (formerly Invitae), Labcorp
Classification: Uncertain significance for Hyperkalemic periodic paralysis. Last evaluated: 2022-08-21. Review status: criteria provided, single submitter. Criteria: Invitae Variant Classification Sherloc (09022015). Collection method: clinical testing. Allele origin: germline.
Comment: This variant has not been reported in the literature in individuals affected with SCN4A-related conditions. In summary, the available evidence is currently insufficient to determine the role of this variant in disease. Therefore, it has been classified as a Variant of Uncertain Significance. Algorithms developed to predict the effect of missense changes on protein structure and function (SIFT, PolyPhen-2, Align-GVGD) all suggest that this variant is likely to be disruptive. ClinVar contains an entry for this variant (Variation ID: 1379248). This variant is not present in population databases (gnomAD no frequency). This sequence change replaces serine, which is neutral and polar, with isoleucine, which is neutral and non-polar, at codon 809 of the SCN4A protein (p.Ser809Ile).